The following is an entry in ClinVar:

NM_024514.5(CYP2R1):c.433C>T (p.Arg145Ter)

Genes: CYP2R1 (cytochrome P450 family 2 subfamily R member 1; minus strand), PDE3B (phosphodiesterase 3B; plus strand). Cytogenetic location: 11p15.2.
Variant type: single nucleotide variant.
Coding change: c.433C>T on transcript NM_024514.5 (MANE Select); coding-DNA position 433, C replaced by T.
Protein change: p.Arg145Ter; replaces arginine 145 with a stop codon.
Molecular consequence: nonsense.
Genome position (GRCh38, 1-based): chr11:14,880,703, G>A on the plus strand (C>T on the coding strand, the complement: CYP2R1 is on the minus strand). VCF-style: chr11-14880703-G-A. GRCh37 (hg19) VCF-style: chr11-14902249-G-A.
Other names: c.433C>T (NM_024514.4); c.88C>T, p.Arg30Ter (NM_001377214.1, NM_001377215.1, NM_001377216.1 and 1 more transcripts); c.271C>T, p.Arg91Ter (NM_001377217.1); short protein forms R145*, R30*, R91*.
Identifiers: ClinVar variation 1450676 (VCV001450676.10), dbSNP rs576642411, ClinGen allele CA5896680.

ClinVar aggregate classification (germline): Pathogenic/Likely pathogenic. Review status: criteria provided, multiple submitters, no conflicts (2 of 4 stars). 4 submissions from 4 submitters: Pathogenic (1); Likely pathogenic (2). 1 of the submissions does not count toward it. Last evaluated 2024-07-31.

Conditions:
CYP2R1-related disorder. Also called: CYP2R1-related condition.
Vitamin D hydroxylation-deficient rickets, type 1B. Also called: Rickets due to Defect in Vitamin D 25-hydroxylation; PSEUDOVITAMIN D3 DEFICIENCY RICKETS DUE TO 25-HYDROXYLASE DEFICIENCY; VITAMIN D-DEPENDENT RICKETS, TYPE 1B. Identifiers: Orphanet 289157, MedGen C1838657, MONDO:0010810, OMIM 600081.

Allele frequency attached by ClinVar (database versions not stated): gnomAD exomes 0.00001; ExAC 0.00002; gnomAD 0.00002 and 0.00003; TOPMed 0.00004; 1000 Genomes Project 30x 0.00016; 1000 Genomes Project 0.00020.
gnomAD v4.1: 24 of 1,597,428 alleles (0.0015%); highest among the groups gnomAD compares: South Asian, 0.011%; no homozygotes.

Submissions (4):

Labcorp Genetics (formerly Invitae), Labcorp
Classification: Pathogenic. Last evaluated: 2024-07-31. Review status: criteria provided, single submitter. Criteria: Invitae Variant Classification Sherloc (09022015). Collection method: clinical testing. Allele origin: germline.
Comment: This sequence change creates a premature translational stop signal (p.Arg145*) in the CYP2R1 gene. It is expected to result in an absent or disrupted protein product. Loss-of-function variants in CYP2R1 are known to be pathogenic (PMID: 15128933, 22855339, 25942481, 33715104). This variant is present in population databases (rs576642411, gnomAD 0.007%). This variant has not been reported in the literature in individuals affected with CYP2R1-related conditions. ClinVar contains an entry for this variant (Variation ID: 1450676). For these reasons, this variant has been classified as Pathogenic.

Fulgent Genetics
Classification: Likely pathogenic for Vitamin D hydroxylation-deficient rickets, type 1B. Last evaluated: 2024-04-25. Review status: criteria provided, single submitter. Criteria: ACMG Guidelines, 2015. Collection method: clinical testing. Allele origin: germline.

Neuberg Centre For Genomic Medicine, NCGM
Classification: Likely pathogenic for Vitamin D hydroxylation-deficient rickets, type 1B. Last evaluated: 2023-02-14. Review status: criteria provided, single submitter. Criteria: ACMG Guidelines, 2015. Collection method: clinical testing. Allele origin: germline. Inheritance: Autosomal recessive inheritance. Affected: yes.
Comment: The stop gained c.433C>T (p.Arg145Ter) variant in CYP2R1 gene has been reported to the ClinVar database as Pathogenic. The p.Arg145Ter variant has been reported with allele frequency of 0.0009% in gnomAD Exomes. The nucleotide change c.433C>T in CYP2R1 is predicted as conserved by GERP++ and PhyloP across 100 vertebrates. This sequence change creates a premature translational stop signal (p.Arg145Ter) in the CYP2R1 gene. This variant is predicted to cause loss of normal protein function through protein truncation. Loss of function variants in this gene have been previously reported to be pathogenic (Thacher TD, et. al., 2015). However, additional functional studies are required to prove the pathogenicity of this variant. For these reasons, this variant has been classified as Likely Pathogenic. In absence of another reportable variant in CYP2R1 gene, the molecular diagnosis is not confirmed.

PreventionGenetics, part of Exact Sciences
Classification: Likely pathogenic for CYP2R1-related condition. Last evaluated: 2024-03-05. Review status: no assertion criteria provided. Collection method: clinical testing. Allele origin: germline. Not counted in ClinVar's aggregate classification.
Comment: The CYP2R1 c.433C>T variant is predicted to result in premature protein termination (p.Arg145*). To our knowledge, this variant has not been reported in the literature. This variant is reported in 0.0064% of alleles in individuals of African descent in gnomAD. Nonsense variants in CYP2R1 are expected to be pathogenic. This variant is interpreted as likely pathogenic.

Literature cited by the submitters: PubMed 15128933 (cited by Labcorp Genetics (formerly Invitae), Labcorp); PubMed 22855339 (cited by Labcorp Genetics (formerly Invitae), Labcorp); PubMed 25942481 (cited by Labcorp Genetics (formerly Invitae), Labcorp); PubMed 33715104 (cited by Labcorp Genetics (formerly Invitae), Labcorp).